The following is an entry in ClinVar:

ClinVar aggregate classification (germline): Uncertain significance (1 of 4 stars; one submission).

gnomAD v4.1: 4 of 1,614,012 alleles (0.00025%); highest among the groups gnomAD compares: African/African-American, 0.0027%; no homozygotes.

Submission:

GeneDx
Classification: Uncertain significance. Last evaluated: 2026-02-19. Review status: criteria provided, single submitter. Criteria: GeneDx Variant Classification Process June 2021. Collection method: clinical testing. Allele origin: germline.
Comment: Not observed at significant frequency in large population cohorts (gnomAD); In silico analysis suggests that this variant does not alter splicing; Has not been previously published as pathogenic or benign to our knowledge

NM_000141.5(FGFR2):c.1065A>G (p.Ala355=)

Gene: FGFR2 (fibroblast growth factor receptor 2; minus strand). Cytogenetic location: 10q26.13.
Variant type: single nucleotide variant.
Coding change: c.1065A>G on transcript NM_000141.5 (MANE Select); coding-DNA position 1065, A replaced by G.
Protein change: p.Ala355=; no amino-acid change (alanine 355 retained).
Molecular consequence: synonymous variant. On other transcripts: non-coding transcript variant (1), intron variant (7).
Genome position (GRCh38, 1-based): chr10:121,517,338, T>C on the plus strand (A>G on the coding strand, the complement: FGFR2 is on the minus strand). VCF-style: chr10-121517338-T-C. GRCh37 (hg19) VCF-style: chr10-123276852-T-C.
Other names: c.798A>G, p.Ala266= (NM_001144915.2, NM_001441089.1, NM_023029.3); c.720A>G, p.Ala240= (NM_001144916.2, NM_001144918.2, NM_001441090.1 and 1 more transcripts); c.381A>G, p.Ala127= (NM_001320654.2); c.1065A>G, p.Ala355= (NM_001320658.2); c.749-2019A>G (NM_001144914.1); c.820+1344A>G (NM_001441088.1, NM_001144919.2); c.939+2641A>G (NM_001144917.2); c.1087+1344A>G (NM_001441087.1, NM_022970.4, NM_001144913.1).
Identifiers: ClinVar variation 5009768 (VCV005009768.1).